The following is an entry in ClinVar:

ClinVar aggregate classification (germline): Benign. Review status: criteria provided, multiple submitters, no conflicts (2 of 4 stars). 2 submissions from 2 submitters: Benign (2). Last evaluated 2023-06-01.

Conditions:
Episodic ataxia type 1 (EA1). Also called: Episodic ataxia/myokymia syndrome; MYOKYMIA WITH PERIODIC ATAXIA; PAROXYSMAL ATAXIA WITH NEUROMYOTONIA, HEREDITARY; ATAXIA, EPISODIC, WITH MYOKYMIA. Identifiers: Orphanet 37612, Orphanet 972, MedGen C1719788, MONDO:0008047, OMIM 160120.

Allele frequency attached by ClinVar (database versions not stated): gnomAD exomes 0.00162; 1000 Genomes Project 30x 0.00219; 1000 Genomes Project 0.00240; TOPMed 0.00557; gnomAD 0.00564.

Submissions (2):

CeGaT Center for Human Genetics Tuebingen
Classification: Benign. Last evaluated: 2023-06-01. Review status: criteria provided, single submitter. Criteria: CeGaT Center For Human Genetics Tuebingen Variant Classification Criteria Version 2. Collection method: clinical testing. Allele origin: germline. Affected: yes. Observed: 22 variant alleles.
Comment: KCNA1: BS1, BS2

Illumina Laboratory Services, Illumina
Classification: Benign for Episodic ataxia type 1. Last evaluated: 2018-01-13. Review status: criteria provided, single submitter. Criteria: ICSL Variant Classification Criteria 13 December 2019. Collection method: clinical testing. Allele origin: germline.
Comment: This variant was observed in the ICSL laboratory as part of a predisposition screen in an ostensibly healthy population. It had not been previously curated by ICSL or reported in the Human Gene Mutation Database (HGMD: prior to June 1st, 2018), and was therefore a candidate for classification through an automated scoring system. Utilizing variant allele frequency, disease prevalence and penetrance estimates, and inheritance mode, an automated score was calculated to assess if this variant is too frequent to cause the disease. Based on the score and internal cut-off values, a variant classified as benign is not then subjected to further curation. The score for this variant resulted in a classification of benign for this disease.

NM_000217.3(KCNA1):c.*786G>A

Gene: KCNA1 (potassium voltage-gated channel subfamily A member 1; plus strand). Cytogenetic location: 12p13.32.
Variant type: single nucleotide variant.
Coding change: c.*786G>A on transcript NM_000217.3 (MANE Select); 786 bases downstream of the stop codon, G replaced by A.
Molecular consequence: 3 prime UTR variant.
Genome position (GRCh38, 1-based): chr12:4,913,652, G>A. VCF-style: chr12-4913652-G-A. GRCh37 (hg19) VCF-style: chr12-5022818-G-A.
Identifiers: ClinVar variation 309160 (VCV000309160.37), dbSNP rs148607588, ClinGen allele CA10642503.
Genomic context (GRCh38, chr12:4,913,652, plus strand): 5'-TAAATGGTCTCAACTGCAGATGAGCCAAATACAGGTCTTTTCTCACCAGGCCTGCACTCC[G>A]ACCCCTGGCTTTCAGAACTGGATGTAAAACCTTAGCCTCCTTATTGCAAGAGAGCACAAA-3'